The following is an entry in ClinVar:

ClinVar aggregate classification (germline): Uncertain significance (1 of 4 stars; one submission).

Conditions:
Charcot-Marie-Tooth disease type 2E (CMT2E). Also called: CHARCOT-MARIE-TOOTH DISEASE, AXONAL, TYPE 2E; CHARCOT-MARIE-TOOTH NEUROPATHY, TYPE 2E. Identifiers: Orphanet 99939, MedGen C1843225, MONDO:0011894, OMIM 607684.

Submission:

Labcorp Genetics (formerly Invitae), Labcorp
Classification: Uncertain significance for Charcot-Marie-Tooth disease type 2E. Last evaluated: 2021-11-16. Review status: criteria provided, single submitter. Criteria: Invitae Variant Classification Sherloc (09022015). Collection method: clinical testing. Allele origin: germline.
Comment: This sequence change replaces serine, which is neutral and polar, with proline, which is neutral and non-polar, at codon 27 of the NEFL protein (p.Ser27Pro). This variant is not present in population databases (gnomAD no frequency). This variant has not been reported in the literature in individuals affected with NEFL-related conditions. Experimental studies and prediction algorithms are not available or were not evaluated, and the functional significance of this variant is currently unknown. In summary, the available evidence is currently insufficient to determine the role of this variant in disease. Therefore, it has been classified as a Variant of Uncertain Significance.

NM_006158.5(NEFL):c.79T>C (p.Ser27Pro)

Gene: NEFL (neurofilament light chain; minus strand). Cytogenetic location: 8p21.2.
Variant type: single nucleotide variant.
Coding change: c.79T>C on transcript NM_006158.5 (MANE Select); coding-DNA position 79, T replaced by C.
Protein change: p.Ser27Pro; replaces serine 27 with proline.
Molecular consequence: missense variant.
Genome position (GRCh38, 1-based): chr8:24,956,437, A>G on the plus strand (T>C on the coding strand, the complement: NEFL is on the minus strand). VCF-style: chr8-24956437-A-G. GRCh37 (hg19) VCF-style: chr8-24813951-A-G.
Other names: short protein forms S27P.
Identifiers: ClinVar variation 1469851 (VCV001469851.6), dbSNP rs2117255911, ClinGen allele CA370624101.